The following is an entry in ClinVar:

ClinVar aggregate classification (germline): Likely benign. Review status: criteria provided, multiple submitters, no conflicts (2 of 4 stars). 3 submissions from 3 submitters: Likely benign (3). Last evaluated 2024-02-13.

Conditions:
Hereditary cancer-predisposing syndrome. Also called: Tumor predisposition; Hereditary Cancer Syndrome; Neoplastic Syndromes, Hereditary; Hereditary neoplastic syndrome. Identifiers: Orphanet 140162, MedGen C0027672, MeSH D009386, MONDO:0015356.
Tuberous sclerosis 2 (TSC2). Identifiers: Orphanet 805, MedGen C1860707, MONDO:0013199, OMIM 613254.
Tuberous sclerosis syndrome (TSC). Also called: Tuberous Sclerosis Complex; Tuberous sclerosis. Identifiers: Orphanet 805, MedGen C0041341, MONDO:0001734.

Allele frequency attached by ClinVar (database versions not stated): gnomAD exomes below 0.00001; TOPMed below 0.00001; gnomAD 0.00001.
gnomAD v4.1: 2 of 1,613,058 alleles (0.00012%); highest among the groups gnomAD compares: African/African-American, 0.0013%; no homozygotes.

Submissions (3):

Labcorp Genetics (formerly Invitae), Labcorp
Classification: Likely benign for Tuberous sclerosis 2. Last evaluated: 2024-02-13. Review status: criteria provided, single submitter. Criteria: Invitae Variant Classification Sherloc (09022015). Collection method: clinical testing. Allele origin: germline.

All of Us Research Program, National Institutes of Health
Classification: Likely benign for Tuberous sclerosis syndrome. Last evaluated: 2023-12-18. Review status: criteria provided, single submitter. Criteria: ACMG Guidelines, 2015. Collection method: clinical testing. Allele origin: germline. Inheritance: Autosomal dominant inheritance. Observed: 2 variant alleles, 2 heterozygotes.
Comment: This study involves interpretation of variants in research participants for the purpose of population health screening. Participant phenotype was not available at the time of variant classification. Additional details can be found in publication PMID: 35346344, PMCID: PMC8962531

Ambry Genetics
Classification: Likely benign for Hereditary cancer-predisposing syndrome. Last evaluated: 2023-11-15. Review status: criteria provided, single submitter. Criteria: Ambry Variant Classification Scheme 2023. Collection method: clinical testing. Allele origin: germline.

NM_000548.5(TSC2):c.2625C>T (p.Tyr875=)

Gene: TSC2 (TSC complex subunit 2; plus strand). Cytogenetic location: 16p13.3.
Variant type: single nucleotide variant.
Coding change: c.2625C>T on transcript NM_000548.5 (MANE Select); coding-DNA position 2625, C replaced by T.
Protein change: p.Tyr875=; no amino-acid change (tyrosine 875 retained).
Molecular consequence: synonymous variant.
Genome position (GRCh38, 1-based): chr16:2,075,878, C>T. VCF-style: chr16-2075878-C-T. GRCh37 (hg19) VCF-style: chr16-2125879-C-T.
Other names: c.2625C>T, p.Tyr875= (NM_001077183.3, NM_001114382.3, NM_001363528.2 and 3 more transcripts); c.2514C>T, p.Tyr838= (NM_001318827.2); c.2478C>T, p.Tyr826= (NM_001318829.2); c.2025C>T, p.Tyr675= (NM_001318831.2); c.2658C>T, p.Tyr886= (NM_001318832.2).
Identifiers: ClinVar variation 758364 (VCV000758364.10), dbSNP rs1475326651, ClinGen allele CA492953506.
Genomic context (GRCh38, chr16:2,075,878, plus strand): 5'-CCTCTACAGGAACTTTGCCGCGGAGCAGTATGCCAGTGTGTTCGCCATCTCCCTGCCGTA[C>T]ACCAACCCCTCCAAGTGAGTGGTCGCCCCAGGCCCTGTGCCTCCCAGCCGTGGCCCCCGC-3'
Protein context (NP_000539.2, residues 865-885): YASVFAISLP[Tyr875=]TNPSKFNQYI